The following is an entry in ClinVar:

NM_024529.5(CDC73):c.907+2C>T

Gene: CDC73 (cell division cycle 73; plus strand). Cytogenetic location: 1q31.2.
Variant type: single nucleotide variant.
Coding change: c.907+2C>T on transcript NM_024529.5 (MANE Select); the canonical splice donor site of the intron after coding-DNA position 907, C replaced by T.
Molecular consequence: splice donor variant.
Genome position (GRCh38, 1-based): chr1:193,150,384, C>T. VCF-style: chr1-193150384-C-T. GRCh37 (hg19) VCF-style: chr1-193119514-C-T.
Identifiers: ClinVar variation 3011247 (VCV003011247.3), dbSNP rs2527341675, ClinGen allele CA343965272.

ClinVar aggregate classification (germline): Uncertain significance (1 of 4 stars; one submission).

Conditions:
Parathyroid carcinoma (PRTC). Also called: Parathyroid gland carcinoma; CDC73-Related Parathyroid Carcinoma. Identifiers: Orphanet 143, MedGen C0687150, MONDO:0012004, OMIM 608266, HP:0006780.

Submission:

Labcorp Genetics (formerly Invitae), Labcorp
Classification: Uncertain significance for Parathyroid carcinoma. Last evaluated: 2023-12-18. Review status: criteria provided, single submitter. Criteria: Invitae Variant Classification Sherloc (09022015). Collection method: clinical testing. Allele origin: germline.
Comment: This sequence change falls in intron 9 of the CDC73 gene. It does not directly change the encoded amino acid sequence of the CDC73 protein. It affects a nucleotide within the consensus splice site. This variant is not present in population databases (gnomAD no frequency). This variant has not been reported in the literature in individuals affected with CDC73-related conditions. Variants that disrupt the consensus splice site are a relatively common cause of aberrant splicing (PMID: 17576681, 9536098). In summary, the available evidence is currently insufficient to determine the role of this variant in disease. Therefore, it has been classified as a Variant of Uncertain Significance.

Literature cited by the submitters: PubMed 17576681; PubMed 9536098.